The following is an entry in ClinVar:

NM_000138.5(FBN1):c.3535C>A (p.Gln1179Lys)

Gene: FBN1 (fibrillin 1; minus strand). Cytogenetic location: 15q21.1.
Variant type: single nucleotide variant.
Coding change: c.3535C>A on transcript NM_000138.5 (MANE Select); coding-DNA position 3535, C replaced by A.
Protein change: p.Gln1179Lys; replaces glutamine 1179 with lysine.
Molecular consequence: missense variant.
Genome position (GRCh38, 1-based): chr15:48,487,129, G>T on the plus strand (C>A on the coding strand, the complement: FBN1 is on the minus strand). VCF-style: chr15-48487129-G-T. GRCh37 (hg19) VCF-style: chr15-48779326-G-T.
Other names: c.3535C>A, p.Gln1179Lys (NM_001406716.1); short protein forms Q1179K.
Identifiers: ClinVar variation 3343596 (VCV003343596.3).

ClinVar aggregate classification (germline): Uncertain significance. Review status: criteria provided, multiple submitters, no conflicts (2 of 4 stars). 2 submissions from 2 submitters: Uncertain significance (2). Last evaluated 2026-07-29.

Conditions:
Familial thoracic aortic aneurysm and aortic dissection (TAAD). Also called: Thoracic aortic aneurysms and dissections. Identifiers: Orphanet 91387, MedGen C4707243, MONDO:0019625.

gnomAD v4.1: 1 of 1,614,204 alleles (0.000062%); highest among the groups gnomAD compares: South Asian, 0.0011%; no homozygotes.

Submissions (2):

Ambry Genetics
Classification: Uncertain significance for Familial thoracic aortic aneurysm and aortic dissection. Last evaluated: 2026-07-29. Review status: criteria provided, single submitter. Criteria: Ambry Variant Classification Scheme 2023. Collection method: clinical testing. Allele origin: germline.

GeneDx
Classification: Uncertain significance. Last evaluated: 2023-05-17. Review status: criteria provided, single submitter. Criteria: GeneDx Variant Classification Process June 2021. Collection method: clinical testing. Allele origin: germline. Affected: yes.
Comment: Has not been previously published as pathogenic or benign to our knowledge; Not observed at significant frequency in large population cohorts (gnomAD); Although located in a calcium-binding EGF-like domain of the FBN1 gene, it does not affect a cysteine residue within this domain; cysteine substitutions in the calcium-binding EGF-like domains represent the majority of pathogenic missense changes associated with FBN1-related disorders (Collod-Beroud et al., 2003); In silico analysis supports that this missense variant has a deleterious effect on protein structure/function; This variant is associated with the following publications: (PMID: 12938084)